The following is an entry in ClinVar:

NM_000465.4(BARD1):c.949G>C (p.Glu317Gln)

Gene: BARD1 (BRCA1 associated RING domain 1; minus strand). Cytogenetic location: 2q35.
Variant type: single nucleotide variant.
Coding change: c.949G>C on transcript NM_000465.4 (MANE Select); coding-DNA position 949, G replaced by C.
Protein change: p.Glu317Gln; replaces glutamic acid 317 with glutamine.
Molecular consequence: missense variant. On other transcripts: non-coding transcript variant (2), intron variant (3).
Genome position (GRCh38, 1-based): chr2:214,780,925, C>G on the plus strand (G>C on the coding strand, the complement: BARD1 is on the minus strand). VCF-style: chr2-214780925-C-G. GRCh37 (hg19) VCF-style: chr2-215645649-C-G.
Other names: c.892G>C, p.Glu298Gln (NM_001282543.2); c.159-28370G>C (NM_001282548.2); c.215+16136G>C (NM_001282545.2); c.364+11372G>C (NM_001282549.2); c.949G>C (NM_000465.2); short protein forms E317Q, E298Q.
Identifiers: ClinVar variation 628077 (VCV000628077.17), dbSNP rs1559424451, ClinGen allele CA350454819.

ClinVar aggregate classification (germline): Conflicting classifications of pathogenicity. Review status: criteria provided, conflicting classifications (1 of 4 stars). 3 submissions from 3 submitters: Uncertain significance (2); Likely benign (1). Last evaluated 2024-02-26.

Conditions:
Hereditary cancer-predisposing syndrome. Also called: Neoplastic Syndromes, Hereditary; Tumor predisposition; Hereditary neoplastic syndrome; Hereditary Cancer Syndrome. Identifiers: Orphanet 140162, MedGen C0027672, MeSH D009386, MONDO:0015356.
Familial cancer of breast. Also called: BREAST CANCER, FAMILIAL; Hereditary breast cancer; hereditary breast carcinoma. Identifiers: Orphanet 227535, MedGen C0346153, MONDO:0016419, OMIM 114480. Disease mechanism: loss of function.

Submissions (3):

Ambry Genetics
Classification: Likely benign for Hereditary cancer-predisposing syndrome. Last evaluated: 2024-02-26. Review status: criteria provided, single submitter. Criteria: Ambry Variant Classification Scheme 2023. Collection method: clinical testing. Allele origin: germline.

Color Diagnostics, LLC DBA Color Health
Classification: Uncertain significance for Hereditary cancer-predisposing syndrome. Last evaluated: 2023-12-05. Review status: criteria provided, single submitter. Criteria: ACMG Guidelines, 2015. Collection method: clinical testing. Allele origin: germline.
Comment: This missense variant replaces glutamic acid with glutamine at codon 317 of the BARD1 protein. Computational prediction suggests that this variant may not impact protein structure and function (internally defined REVEL score threshold <= 0.5, PMID: 27666373). To our knowledge, functional studies have not been reported for this variant. This variant has not been reported in individuals affected with BARD1-related disorders in the literature. This variant has not been identified in the general population by the Genome Aggregation Database (gnomAD). The available evidence is insufficient to determine the role of this variant in disease conclusively. Therefore, this variant is classified as a Variant of Uncertain Significance.

Labcorp Genetics (formerly Invitae), Labcorp
Classification: Uncertain significance for Familial cancer of breast. Last evaluated: 2023-08-28. Review status: criteria provided, single submitter. Criteria: Invitae Variant Classification Sherloc (09022015). Collection method: clinical testing. Allele origin: germline.
Comment: In summary, the available evidence is currently insufficient to determine the role of this variant in disease. Therefore, it has been classified as a Variant of Uncertain Significance. An algorithm developed to predict the effect of missense changes on protein structure and function (PolyPhen-2) suggests that this variant is likely to be tolerated. ClinVar contains an entry for this variant (Variation ID: 628077). This variant has not been reported in the literature in individuals affected with BARD1-related conditions. This variant is not present in population databases (gnomAD no frequency). This sequence change replaces glutamic acid, which is acidic and polar, with glutamine, which is neutral and polar, at codon 317 of the BARD1 protein (p.Glu317Gln).